The following is an entry in ClinVar:

ClinVar aggregate classification (germline): Uncertain significance (1 of 4 stars; one submission).

Conditions:
Type 2 diabetes mellitus. Also called: Type II diabetes mellitus. Identifiers: MedGen C0011860, MeSH D003924, MONDO:0005148, OMIM 125853, HP:0005978.

gnomAD v4.1: 5 of 1,613,982 alleles (0.00031%); highest among the groups gnomAD compares: South Asian, 0.0055%; no homozygotes.

Submission:

Foundation for Research in Genetics and Endocrinology, FRIGE's Institute of Human Genetics
Classification: Uncertain significance for Type 2 diabetes mellitus. Last evaluated: 2024-06-15. Review status: criteria provided, single submitter. Criteria: ACMG Guidelines, 2015. Collection method: clinical testing. Allele origin: germline. Inheritance: Autosomal dominant inheritance. Affected: yes. Observed: 1 heterozygote.
Comment: A heterozygous missense variant in exon 5 of the TCF7L2 gene that results in the amino acid substitution of Glutamic acid for Aspartic acid at codon 160 was detected. The observed variant c.480T>G (p.Asp160Glu) has not been reported in the 1000 genomes and gnomAD databases. The in silico prediction of the variant are possibly damaging by PolyPhen-2 (HumDiv) and damaging by LRT and SIFT. The reference codon is conserved across species. In summary, the variant meets our criteria to be classified as a variant of uncertain significance.

NM_001367943.1(TCF7L2):c.480T>G (p.Asp160Glu)

Gene: TCF7L2 (transcription factor 7 like 2; plus strand). Cytogenetic location: 10q25.2.
Variant type: single nucleotide variant.
Coding change: c.480T>G on transcript NM_001367943.1 (MANE Select); coding-DNA position 480, T replaced by G.
Protein change: p.Asp160Glu; replaces aspartic acid 160 with glutamic acid.
Molecular consequence: missense variant. On other transcripts: intron variant (1).
Genome position (GRCh38, 1-based): chr10:113,040,054, T>G. VCF-style: chr10-113040054-T-G. GRCh37 (hg19) VCF-style: chr10-114799813-T-G.
Other names: p.Asp160Glu; c.480T>G, p.Asp160Glu (NM_001198531.2, NM_001363501.2, NM_001146274.2); c.411T>G, p.Asp137Glu (NM_030756.5, NM_001198529.2, NM_001146283.2 and 7 more transcripts); c.381+88447T>G (NM_001198530.2); short protein forms D137E, D160E.
Identifiers: ClinVar variation 3242371 (VCV003242371.2), dbSNP rs1396649788.